The following is an entry in ClinVar:

ClinVar aggregate classification (germline): Pathogenic. Review status: criteria provided, multiple submitters, no conflicts (2 of 4 stars). 3 submissions from 3 submitters: Pathogenic (2). 1 of the submissions does not count toward it. Last evaluated 2025-10-28.

Conditions:
Oculocutaneous albinism type 1. Also called: Albinism 1; ALBINISM I. Identifiers: Orphanet 352731, MedGen C0268494, MONDO:0018135. Disease mechanism: loss of function.
SKIN/HAIR/EYE PIGMENTATION 3, LIGHT/DARK SKIN (SHEP3). Also called: EYE COLOR 1; EYE COLOR, GREEN/BLUE; SKIN/HAIR/EYE PIGMENTATION 3, BLUE/GREEN EYE COLOR; SKIN/HAIR/EYE PIGMENTATION 3, FRECKLING; SKIN/HAIR/EYE PIGMENTATION, VARIATION IN, 3. Identifiers: MedGen C2677190, OMIM 601800.

Submissions (3):

Victorian Clinical Genetics Services, Murdoch Childrens Research Institute
Classification: Pathogenic for Oculocutaneous albinism type 1. Last evaluated: 2025-10-28. Review status: criteria provided, single submitter. Criteria: ACMG Guidelines, 2015. Collection method: clinical testing. Allele origin: germline. Affected: yes.
Comment: This variant is classified as Pathogenic. Evidence in support of pathogenic classification: Variant is predicted to result in a truncated protein (premature termination codon is located within the first 102 nucleotides of the coding sequence and is predicted to escape nonsense-mediated decay); Variant is present in gnomAD <0.01 for a recessive condition (v4: 6 heterozygote(s), 0 homozygote(s)) ; This variant has moderate previous evidence of pathogenicity in unrelated individuals. This variant has been classified as pathogenic by clinical laboratories in ClinVar and reported in the literatures in multiple individuals with oculocutaneous albinism type 1A and 1B (PMID: 9259202, 18463683); Other truncated variants comparable to the one identified in this case have very strong previous evidence for pathogenicity. Other truncated variants within the first 102 nucleotides of the coding sequence have also been classified as pathogenic in ClinVar. Additional information: This variant is heterozygous; This gene is associated with autosomal recessive disease; No published evidence of segregation with disease has been identified for this variant; No published functional evidence has been identified for this variant; Loss of function is a known mechanism of disease in this gene and is associated with oculocutaneous albinism type 1 (MONDO:0018135); Inheritance information for this variant is not currently available in this individual.

Baylor Genetics
Classification: Pathogenic for SKIN/HAIR/EYE PIGMENTATION 3, LIGHT/DARK SKIN. Last evaluated: 2024-03-02. Review status: criteria provided, single submitter. Criteria: ACMG Guidelines, 2015. Collection method: clinical testing. Allele origin: unknown.

Retina International
No classification provided. Review status: no classification provided. Collection method: not provided. Allele origin: not provided. Not counted in ClinVar's aggregate classification.

Literature cited by the submitters: PubMed 9259202 (cited by Victorian Clinical Genetics Services, Murdoch Childrens Research Institute); PubMed 18463683 (cited by Victorian Clinical Genetics Services, Murdoch Childrens Research Institute).

NM_000372.5(TYR):c.25del (p.Leu9fs)

Gene: TYR (tyrosinase; plus strand). Cytogenetic location: 11q14.3.
Variant type: Deletion.
Coding change: c.25del on transcript NM_000372.5 (MANE Select); coding-DNA position 25, one base deleted (C; older notation c.25delC).
Protein change: p.Leu9fs; shifts the reading frame from leucine 9.
Molecular consequence: frameshift variant.
Genome position (GRCh38, 1-based): chr11:89,177,978, C deleted; the last of 2 consecutive C bases (chr11:89,177,977-89,177,978); deleting either gives the same sequence. VCF-style (leftmost placement, unchanged base first): chr11-89177976-GC-G. GRCh37 (hg19) VCF-style: chr11-88911144-GC-G.
Other names: short protein forms L9fs.
Identifiers: ClinVar variation 99558 (VCV000099558.3), dbSNP rs281865524, ClinGen allele CA227552.